The following is an entry in ClinVar:

NM_005458.8(GABBR2):c.911G>C (p.Arg304Pro)

Gene: GABBR2 (gamma-aminobutyric acid type B receptor subunit 2; minus strand). Cytogenetic location: 9q22.33.
Variant type: single nucleotide variant.
Coding change: c.911G>C on transcript NM_005458.8 (MANE Select); coding-DNA position 911, G replaced by C.
Protein change: p.Arg304Pro; replaces arginine 304 with proline.
Molecular consequence: missense variant.
Genome position (GRCh38, 1-based): chr9:98,473,234, C>G on the plus strand (G>C on the coding strand, the complement: GABBR2 is on the minus strand). VCF-style: chr9-98473234-C-G. GRCh37 (hg19) VCF-style: chr9-101235516-C-G.
Other names: short protein forms R304P.
Identifiers: ClinVar variation 2831964 (VCV002831964.3), dbSNP rs766347577, ClinGen allele CA374351423.

ClinVar aggregate classification (germline): Uncertain significance (1 of 4 stars; one submission).

Conditions:
Epileptic encephalopathy. Identifiers: MedGen C0543888, HP:0200134.

Submission:

Labcorp Genetics (formerly Invitae), Labcorp
Classification: Uncertain significance for Epileptic encephalopathy. Last evaluated: 2023-10-07. Review status: criteria provided, single submitter. Criteria: Invitae Variant Classification Sherloc (09022015). Collection method: clinical testing. Allele origin: germline.
Comment: This sequence change replaces arginine, which is basic and polar, with proline, which is neutral and non-polar, at codon 304 of the GABBR2 protein (p.Arg304Pro). This variant is not present in population databases (gnomAD no frequency). This variant has not been reported in the literature in individuals affected with GABBR2-related conditions. Advanced modeling of protein sequence and biophysical properties (such as structural, functional, and spatial information, amino acid conservation, physicochemical variation, residue mobility, and thermodynamic stability) performed at Invitae indicates that this missense variant is not expected to disrupt GABBR2 protein function. In summary, the available evidence is currently insufficient to determine the role of this variant in disease. Therefore, it has been classified as a Variant of Uncertain Significance.